The following is an entry in ClinVar:

NM_014920.5(CILK1):c.232A>G (p.Ile78Val)

Gene: CILK1 (ciliogenesis associated kinase 1; minus strand). Cytogenetic location: 6p12.1.
Variant type: single nucleotide variant.
Coding change: c.232A>G on transcript NM_014920.5 (MANE Select); coding-DNA position 232, A replaced by G.
Protein change: p.Ile78Val; replaces isoleucine 78 with valine.
Molecular consequence: missense variant. On other transcripts: non-coding transcript variant (1).
Genome position (GRCh38, 1-based): chr6:53,032,579, T>C on the plus strand (A>G on the coding strand, the complement: CILK1 is on the minus strand). VCF-style: chr6-53032579-T-C. GRCh37 (hg19) VCF-style: chr6-52897377-T-C.
Other names: c.232A>G, p.Ile78Val (NM_001375397.1, NM_001375398.1, NM_001375399.1 and 4 more transcripts); short protein forms I78V.
Identifiers: ClinVar variation 1680570 (VCV001680570.8), dbSNP rs1420922010, ClinGen allele CA364475795.
Genomic context (GRCh38, chr6:53,032,579, plus strand): 5'-TGACCAAACTGTACCTCTCTTTAATGAGCTGGTAAAGATTTTCCTTCATGTACTCGAAGA[T>C]AAAATAAAGATGATCATTTTCCCTGATAACTTCTTTTAATTTGACTACATTGGCATGGTT-3'
Protein context (NP_055735.1, residues 68-88): VIRENDHLYF[Ile78Val]FEYMKENLYQ

ClinVar aggregate classification (germline): Uncertain significance (1 of 4 stars; one submission).

Allele frequency attached by ClinVar (database versions not stated): TOPMed below 0.00001.

Submission:

Labcorp Genetics (formerly Invitae), Labcorp
Classification: Uncertain significance. Last evaluated: 2020-11-24. Review status: criteria provided, single submitter. Criteria: Invitae Variant Classification Sherloc (09022015). Collection method: clinical testing. Allele origin: germline.
Comment: In summary, the available evidence is currently insufficient to determine the role of this variant in disease. Therefore, it has been classified as a Variant of Uncertain Significance. Algorithms developed to predict the effect of missense changes on protein structure and function output the following: SIFT: "Tolerated"; PolyPhen-2: "Benign"; Align-GVGD: "Class C0". The valine amino acid residue is found in multiple mammalian species, suggesting that this missense change does not adversely affect protein function. These predictions have not been confirmed by published functional studies and their clinical significance is uncertain. This variant has not been reported in the literature in individuals with ICK-related conditions. This variant is not present in population databases (ExAC no frequency). This sequence change replaces isoleucine with valine at codon 78 of the ICK protein (p.Ile78Val). The isoleucine residue is moderately conserved and there is a small physicochemical difference between isoleucine and valine.